The following is an entry in ClinVar:

ClinVar aggregate classification (germline): Pathogenic (1 of 4 stars; one submission).

Submission:

Labcorp Genetics (formerly Invitae), Labcorp
Classification: Pathogenic. Last evaluated: 2025-12-16. Review status: criteria provided, single submitter. Criteria: Invitae Variant Classification Sherloc (09022015). Collection method: clinical testing. Allele origin: germline.
Comment: This sequence change creates a premature translational stop signal (p.Gln548*) in the GLE1 gene. It is expected to result in an absent or disrupted protein product. Loss-of-function variants in GLE1 are known to be pathogenic (PMID: 18204449, 24243016, 27684565). This variant is not present in population databases (gnomAD no frequency). This variant has not been reported in the literature in individuals affected with GLE1-related conditions. For these reasons, this variant has been classified as Pathogenic.

Literature cited by the submitters: PubMed 18204449; PubMed 24243016; PubMed 27684565.

NM_001003722.2(GLE1):c.1642C>T (p.Gln548Ter)

Genes: GLE1 (GLE1 RNA export mediator; plus strand), LOC101929270 (uncharacterized LOC101929270; minus strand). Cytogenetic location: 9q34.11.
Variant type: single nucleotide variant.
Coding change: c.1642C>T on transcript NM_001003722.2 (MANE Select); coding-DNA position 1642, C replaced by T.
Protein change: p.Gln548Ter; replaces glutamine 548 with a stop codon.
Molecular consequence: nonsense.
Genome position (GRCh38, 1-based): chr9:128,533,947, C>T. VCF-style: chr9-128533947-C-T. GRCh37 (hg19) VCF-style: chr9-131296226-C-T.
Other names: c.1669C>T, p.Gln557Ter (NM_001411013.1); c.1642C>T, p.Gln548Ter (NM_001499.2); short protein forms Q557*, Q548*.
Identifiers: ClinVar variation 4733376 (VCV004733376.1).
Genomic context (GRCh38, chr9:128,533,947, plus strand): 5'-TGTCCTTACTCTGTTCCTTTCTATCCCACTTTCAAGGAGGGAATGGCTTTGGAAGACTAT[C>T]AGAGGTAAAGTTGTTTTTCTCCCTACTCACTATCCCTAGAGTGATTAATGAAATATAAAT-3'